The following is an entry in ClinVar:

NM_005045.4(RELN):c.3060C>T (p.Asp1020=)

Gene: RELN (reelin; minus strand). Cytogenetic location: 7q22.1.
Variant type: single nucleotide variant.
Coding change: c.3060C>T on transcript NM_005045.4 (MANE Select); coding-DNA position 3060, C replaced by T.
Protein change: p.Asp1020=; no amino-acid change (aspartic acid 1020 retained).
Molecular consequence: synonymous variant.
Genome position (GRCh38, 1-based): chr7:103,604,432, G>A on the plus strand (C>T on the coding strand, the complement: RELN is on the minus strand). VCF-style: chr7-103604432-G-A. GRCh37 (hg19) VCF-style: chr7-103244879-G-A.
Other names: c.3060C>T, p.Asp1020= (NM_173054.3).
Identifiers: ClinVar variation 358409 (VCV000358409.15), dbSNP rs115886170, ClinGen allele CA4421860.

ClinVar aggregate classification (germline): Benign/Likely benign. Review status: criteria provided, multiple submitters, no conflicts (2 of 4 stars). 3 submissions from 3 submitters: Benign (1); Likely benign (2). Last evaluated 2025-11-10.

Conditions:
Norman-Roberts syndrome (LIS2). Also called: Lissencephaly 2 (Norman-Roberts type). Identifiers: Orphanet 89844, MedGen C0796089, MONDO:0009760, OMIM 257320.
Familial temporal lobe epilepsy 7. Identifiers: Orphanet 101046, MedGen C4225327, MONDO:0014639, OMIM 616436.

Allele frequency attached by ClinVar (database versions not stated): gnomAD 0.00026 and 0.00035; TOPMed 0.00036; ExAC 0.00072; gnomAD exomes 0.00077; 1000 Genomes Project 30x 0.00219; 1000 Genomes Project 0.00220.
gnomAD v4.1: 314 of 1,613,876 alleles (0.019%); highest among the groups gnomAD compares: East Asian, 0.6%; 1 homozygote.

Submissions (3):

Labcorp Genetics (formerly Invitae), Labcorp
Classification: Benign for Familial temporal lobe epilepsy 7; Norman-Roberts syndrome. Last evaluated: 2025-11-10. Review status: criteria provided, single submitter. Criteria: Invitae Variant Classification Sherloc (09022015). Collection method: clinical testing. Allele origin: germline.

Illumina Laboratory Services, Illumina
Classification: Likely benign for Norman-Roberts syndrome. Last evaluated: 2018-01-12. Review status: criteria provided, single submitter. Criteria: ICSL Variant Classification Criteria 13 December 2019. Collection method: clinical testing. Allele origin: germline.
Comment: This variant was observed in the ICSL laboratory as part of a predisposition screen in an ostensibly healthy population. It had not been previously curated by ICSL or reported in the Human Gene Mutation Database (HGMD: prior to June 1st, 2018), and was therefore a candidate for classification through an automated scoring system. Utilizing variant allele frequency, disease prevalence and penetrance estimates, and inheritance mode, an automated score was calculated to assess if this variant is too frequent to cause the disease. Based on the score and internal cut-off values, a variant classified as likely benign is not then subjected to further curation. The score for this variant resulted in a classification of likely benign for this disease.

GeneDx
Classification: Likely benign. Last evaluated: 2017-10-03. Review status: criteria provided, single submitter. Criteria: GeneDx Variant Classification (06012015). Collection method: clinical testing. Allele origin: germline. Affected: yes.
Comment: This variant is considered likely benign or benign based on one or more of the following criteria: it is a conservative change, it occurs at a poorly conserved position in the protein, it is predicted to be benign by multiple in silico algorithms, and/or has population frequency not consistent with disease.